The following is an entry in ClinVar:

NM_012193.4(FZD4):c.1108G>A (p.Ala370Thr)

Genes: FZD4 (frizzled class receptor 4; minus strand), PRSS23 (serine protease 23; plus strand). Cytogenetic location: 11q14.2.
Variant type: single nucleotide variant.
Coding change: c.1108G>A on transcript NM_012193.4 (MANE Select); coding-DNA position 1108, G replaced by A.
Protein change: p.Ala370Thr; replaces alanine 370 with threonine.
Molecular consequence: missense variant. On other transcripts: non-coding transcript variant (2).
Genome position (GRCh38, 1-based): chr11:86,951,648, C>T on the plus strand (G>A on the coding strand, the complement: FZD4 is on the minus strand). VCF-style: chr11-86951648-C-T. GRCh37 (hg19) VCF-style: chr11-86662690-C-T.
Other names: short protein forms A370T.
Identifiers: ClinVar variation 956873 (VCV000956873.9), dbSNP rs1949293699, ClinGen allele CA382013122.

ClinVar aggregate classification (germline): Uncertain significance (1 of 4 stars; one submission).

Submission:

Labcorp Genetics (formerly Invitae), Labcorp
Classification: Uncertain significance. Last evaluated: 2024-12-02. Review status: criteria provided, single submitter. Criteria: Invitae Variant Classification Sherloc (09022015). Collection method: clinical testing. Allele origin: germline.
Comment: This sequence change replaces alanine, which is neutral and non-polar, with threonine, which is neutral and polar, at codon 370 of the FZD4 protein (p.Ala370Thr). This variant is not present in population databases (gnomAD no frequency). This variant has not been reported in the literature in individuals affected with FZD4-related conditions. ClinVar contains an entry for this variant (Variation ID: 956873). Invitae Evidence Modeling of protein sequence and biophysical properties (such as structural, functional, and spatial information, amino acid conservation, physicochemical variation, residue mobility, and thermodynamic stability) has been performed for this missense variant. However, the output from this modeling did not meet the statistical confidence thresholds required to predict the impact of this variant on FZD4 protein function. In summary, the available evidence is currently insufficient to determine the role of this variant in disease. Therefore, it has been classified as a Variant of Uncertain Significance.